The following is an entry in ClinVar:

ClinVar aggregate classification (germline): Uncertain significance. Review status: criteria provided, multiple submitters, no conflicts (2 of 4 stars). 3 submissions from 3 submitters: Uncertain significance (3). Last evaluated 2025-10-21.

Conditions:
Neuroblastoma, susceptibility to, 3. Also called: ALK-Related Neuroblastic Tumor Susceptibility. Identifiers: Orphanet 635, MedGen C2751681, MONDO:0013083, OMIM 613014.
Hereditary cancer-predisposing syndrome. Also called: Neoplastic Syndromes, Hereditary; Hereditary Cancer Syndrome; Tumor predisposition; Hereditary neoplastic syndrome. Identifiers: Orphanet 140162, MedGen C0027672, MeSH D009386, MONDO:0015356.

gnomAD v4.1: 2 of 1,614,212 alleles (0.00012%); highest among the groups gnomAD compares: Non-Finnish European, 0.00017%; no homozygotes.

Submissions (3):

Labcorp Genetics (formerly Invitae), Labcorp
Classification: Uncertain significance for Neuroblastoma, susceptibility to, 3. Last evaluated: 2025-10-21. Review status: criteria provided, single submitter. Criteria: Invitae Variant Classification Sherloc (09022015). Collection method: clinical testing. Allele origin: germline.
Comment: This sequence change replaces glycine, which is neutral and non-polar, with alanine, which is neutral and non-polar, at codon 589 of the ALK protein (p.Gly589Ala). This variant is not present in population databases (gnomAD no frequency). This variant has not been reported in the literature in individuals affected with ALK-related conditions. ClinVar contains an entry for this variant (Variation ID: 1312625). An algorithm developed to predict the effect of missense changes on protein structure and function (PolyPhen-2) suggests that this variant is likely to be disruptive. In summary, the available evidence is currently insufficient to determine the role of this variant in disease. Therefore, it has been classified as a Variant of Uncertain Significance.

Ambry Genetics
Classification: Uncertain significance for Hereditary cancer-predisposing syndrome. Last evaluated: 2025-02-06. Review status: criteria provided, single submitter. Criteria: Ambry Variant Classification Scheme 2023. Collection method: clinical testing. Allele origin: germline.
Comment: The p.G589A variant (also known as c.1766G>C), located in coding exon 9 of the ALK gene, results from a G to C substitution at nucleotide position 1766. The glycine at codon 589 is replaced by alanine, an amino acid with similar properties. This amino acid position is conserved. In addition, this alteration is predicted to be tolerated by in silico analysis. Based on the available evidence, the clinical significance of this variant remains unclear.

GeneDx
Classification: Uncertain significance. Last evaluated: 2020-04-10. Review status: criteria provided, single submitter. Criteria: GeneDx Variant Classification Process June 2021. Collection method: clinical testing. Allele origin: germline. Affected: yes.
Comment: Not observed in large population cohorts (Lek 2016); In silico analysis supports that this missense variant does not alter protein structure/function; Has not been previously published as pathogenic or benign to our knowledge

NM_004304.5(ALK):c.1766G>C (p.Gly589Ala)

Gene: ALK (ALK receptor tyrosine kinase; minus strand). Cytogenetic location: 2p23.2.
Variant type: single nucleotide variant.
Coding change: c.1766G>C on transcript NM_004304.5 (MANE Select); coding-DNA position 1766, G replaced by C.
Protein change: p.Gly589Ala; replaces glycine 589 with alanine.
Molecular consequence: missense variant.
Genome position (GRCh38, 1-based): chr2:29,296,939, C>G on the plus strand (G>C on the coding strand, the complement: ALK is on the minus strand). VCF-style: chr2-29296939-C-G. GRCh37 (hg19) VCF-style: chr2-29519805-C-G.
Other names: short protein forms G589A.
Identifiers: ClinVar variation 1312625 (VCV001312625.4), dbSNP rs769505453, ClinGen allele CA346466064.
Genomic context (GRCh38, chr2:29,296,939, plus strand): 5'-AGAGCCTACCTGTCAGACACATCGAGGAGAGGCAACACCATCCACTGCCACAGGCTCAAG[C>G]CTTCATAGGCGGCGACATGCCAGACCATCCTGCCTTGCTCCTTCCCGGTTTTGTTCTCCA-3'
Protein context (NP_004295.2, residues 579-599): RMVWHVAAYE[Gly589Ala]LSLWQWMVLP